The following is an entry in ClinVar:

ClinVar aggregate classification (germline): Uncertain significance (1 of 4 stars; one submission).

Conditions:
Arrhythmogenic cardiomyopathy with wooly hair and keratoderma. Also called: Arrhythmogenic cardiomyopathy with woolly hair and keratoderma; PALMOPLANTAR KERATODERMA WITH LEFT VENTRICULAR CARDIOMYOPATHY AND WOOLLY HAIR; Carvajal syndrome; Dilated cardiomyopathy with woolly hair and keratoderma. Identifiers: Orphanet 65282, MedGen C1854063, MONDO:0011581, OMIM 605676.
Arrhythmogenic right ventricular dysplasia 8 (ARVD8). Also called: Arrhythmogenic Right Ventricular Dysplasia/Cardiomyopathy 8; ARRHYTHMOGENIC RIGHT VENTRICULAR DYSPLASIA, FAMILIAL, 8; ARRHYTHMOGENIC RIGHT VENTRICULAR CARDIOMYOPATHY 8. Identifiers: MedGen C1843896, MONDO:0011831, OMIM 607450.

gnomAD v4.1: 3 of 1,614,162 alleles (0.00019%); highest among the groups gnomAD compares: Non-Finnish European, 0.00025%; no homozygotes.

Submission:

Labcorp Genetics (formerly Invitae), Labcorp
Classification: Uncertain significance for Arrhythmogenic cardiomyopathy with wooly hair and keratoderma; Arrhythmogenic right ventricular dysplasia 8. Last evaluated: 2024-03-26. Review status: criteria provided, single submitter. Criteria: Invitae Variant Classification Sherloc (09022015). Collection method: clinical testing. Allele origin: germline.
Comment: This sequence change replaces glutamic acid, which is acidic and polar, with lysine, which is basic and polar, at codon 2652 of the DSP protein (p.Glu2652Lys). This variant is not present in population databases (gnomAD no frequency). This variant has not been reported in the literature in individuals affected with DSP-related conditions. An algorithm developed to predict the effect of missense changes on protein structure and function (PolyPhen-2) suggests that this variant is likely to be disruptive. In summary, the available evidence is currently insufficient to determine the role of this variant in disease. Therefore, it has been classified as a Variant of Uncertain Significance.

NM_004415.4(DSP):c.7954G>A (p.Glu2652Lys)

Gene: DSP (desmoplakin; plus strand). Cytogenetic location: 6p24.3.
Variant type: single nucleotide variant.
Coding change: c.7954G>A on transcript NM_004415.4 (MANE Select); coding-DNA position 7954, G replaced by A.
Protein change: p.Glu2652Lys; replaces glutamic acid 2652 with lysine.
Molecular consequence: missense variant.
Genome position (GRCh38, 1-based): chr6:7,585,216, G>A. VCF-style: chr6-7585216-G-A. GRCh37 (hg19) VCF-style: chr6-7585449-G-A.
Other names: c.6157G>A, p.Glu2053Lys (NM_001008844.3); c.6625G>A, p.Glu2209Lys (NM_001319034.2); short protein forms E2053K, E2209K, E2652K.
Identifiers: ClinVar variation 3761453 (VCV003761453.2).
Genomic context (GRCh38, chr6:7,585,216, plus strand): 5'-TCCATTACAGAAGGTATAGAGCGGGGCATCGTTGACAGCATCACGGGTCAGAGGCTTCTG[G>A]AGGCTCAGGCCTGCACAGGTGGCATCATCCACCCAACCACGGGCCAGAAGCTGTCACTTC-3'
Protein context (NP_004406.2, residues 2642-2662): VDSITGQRLL[Glu2652Lys]AQACTGGIIH